The following is an entry in ClinVar:

NM_170606.3(KMT2C):c.13645C>T (p.Arg4549Cys)

Gene: KMT2C (lysine methyltransferase 2C; minus strand). Cytogenetic location: 7q36.1.
Variant type: single nucleotide variant.
Coding change: c.13645C>T on transcript NM_170606.3 (MANE Select); coding-DNA position 13645, C replaced by T.
Protein change: p.Arg4549Cys; replaces arginine 4549 with cysteine.
Molecular consequence: missense variant.
Genome position (GRCh38, 1-based): chr7:152,148,282, G>A on the plus strand (C>T on the coding strand, the complement: KMT2C is on the minus strand). VCF-style: chr7-152148282-G-A. GRCh37 (hg19) VCF-style: chr7-151845367-G-A.
Other names: short protein forms R4549C.
Identifiers: ClinVar variation 4530501 (VCV004530501.1).

ClinVar aggregate classification (somatic clinical impact): Tier I - Strong (1 of 4 stars; one submission).

Conditions:
Medulloblastoma non-WNT/non-SHH group 4. Identifiers: MedGen C4330666, MONDO:0956967.

Submission:

Institute for Genomic Medicine (IGM) Clinical Laboratory, Nationwide Children's Hospital
Classification: Tier I - Strong for Medulloblastoma non-WNT/non-SHH group 4. Assertion type: diagnostic. Clinical significance: supports diagnosis. Last evaluated: 2025-04-21. Review status: criteria provided, single submitter. Criteria: AMP/ASCO/CAP Guidelines, 2017. Collection method: clinical testing. Allele origin: somatic. Affected: yes.
Comment: Variant has Tier I (strong) clinical significance as a diagnostic inclusion criterion in medulloblastoma non-WNT/non-SHH group 4, based on the following evidence: 1) Documented in one or more cancer databases (e.g., St. Jude Pecan, COSMIC, CIViC, OncoKB). 2) Appears in one or more well-established professional guidelines (e.g., World Health Organization [WHO]; National Comprehensive Cancer Network [NCCN]) as providing diagnostic, prognostic, or therapeutic information. 3) Diagnostic for a specific tumor type/classification based on well-powered studies with expert-level consensus (Evidence Level B; PMIDs: 21163964, 28726821, 22820256).

Literature cited by the submitters: PubMed 21163964; PubMed 28726821; PubMed 22820256.